The following is an entry in ClinVar:

NM_198578.4(LRRK2):c.2864C>T (p.Ser955Leu)

Gene: LRRK2 (leucine rich repeat kinase 2; plus strand). Cytogenetic location: 12q12.
Variant type: single nucleotide variant.
Coding change: c.2864C>T on transcript NM_198578.4 (MANE Select); coding-DNA position 2864, C replaced by T.
Protein change: p.Ser955Leu; replaces serine 955 with leucine.
Molecular consequence: missense variant.
Genome position (GRCh38, 1-based): chr12:40,294,900, C>T. VCF-style: chr12-40294900-C-T. GRCh37 (hg19) VCF-style: chr12-40688702-C-T.
Other names: short protein forms S955L.
Identifiers: ClinVar variation 881647 (VCV000881647.4), dbSNP rs189460764, ClinGen allele CA6513756.

ClinVar aggregate classification (germline): Likely benign (1 of 4 stars; one submission).

Conditions:
Autosomal dominant Parkinson disease 8. Also called: LRRK2-Related Parkinson Disease; Parkinson disease 8; Parkinson disease 8, susceptibility to. Identifiers: Orphanet 411602, MedGen C1846862, MONDO:0011764, OMIM 607060.

Allele frequency attached by ClinVar (database versions not stated): gnomAD 0.00001 and 0.00003; gnomAD exomes 0.00001 and 0.00006; TOPMed 0.00002; ExAC 0.00010; 1000 Genomes Project 30x 0.00031; 1000 Genomes Project 0.00040.
gnomAD v4.1: 16 of 1,538,704 alleles (0.001%); highest among the groups gnomAD compares: East Asian, 0.036%; no homozygotes.

Submission:

Illumina Laboratory Services, Illumina
Classification: Likely benign for Autosomal dominant Parkinson disease 8. Last evaluated: 2017-04-27. Review status: criteria provided, single submitter. Criteria: ICSL Variant Classification Criteria 13 December 2019. Collection method: clinical testing. Allele origin: germline.
Comment: This variant was observed as part of a predisposition screen in an ostensibly healthy population. A literature search was performed for the gene, cDNA change, and amino acid change (where applicable). No publications were found based on this search. Allele frequency data from public databases allowed determination this variant is unlikely to cause disease. Therefore, this variant is classified as likely benign.